The following is an entry in ClinVar:

NM_138393.4(REEP6):c.444C>T (p.His148=)

Gene: REEP6 (receptor accessory protein 6; plus strand). Cytogenetic location: 19p13.3.
Variant type: single nucleotide variant.
Coding change: c.444C>T on transcript NM_138393.4 (MANE Select); coding-DNA position 444, C replaced by T.
Protein change: p.His148=; no amino-acid change (histidine 148 retained).
Molecular consequence: synonymous variant.
Genome position (GRCh38, 1-based): chr19:1,496,380, C>T. VCF-style: chr19-1496380-C-T. GRCh37 (hg19) VCF-style: chr19-1496379-C-T.
Other names: c.444C>T, p.His148= (NM_001329556.3); c.444C>T (NM_001329556.1).
Identifiers: ClinVar variation 2142362 (VCV002142362.5), dbSNP rs755001125, ClinGen allele CA9047574.

ClinVar aggregate classification (germline): Likely benign. Review status: criteria provided, multiple submitters, no conflicts (2 of 4 stars). 2 submissions from 2 submitters: Likely benign (2). Last evaluated 2026-07-14.

Conditions:
REEP6-related disorder. Also called: REEP6-related condition.

Allele frequency attached by ClinVar (database versions not stated): TOPMed 0.00001; ExAC 0.00003.

Submissions (2):

PreventionGenetics, part of Exact Sciences
Classification: Likely benign for REEP6-related condition. Last evaluated: 2026-07-14. Review status: criteria provided, single submitter. Criteria: ACMG Guidelines, 2015. Collection method: clinical testing. Allele origin: germline.
Comment: This variant is classified as likely benign based on ACMG/AMP sequence variant interpretation guidelines (Richards et al. 2015 PMID: 25741868, with internal and published modifications).

Labcorp Genetics (formerly Invitae), Labcorp
Classification: Likely benign. Last evaluated: 2025-02-10. Review status: criteria provided, single submitter. Criteria: Invitae Variant Classification Sherloc (09022015). Collection method: clinical testing. Allele origin: germline.